The following is an entry in ClinVar:

NM_022124.6(CDH23):c.6933del (p.Thr2313fs)

Gene: CDH23 (cadherin related 23; plus strand). Cytogenetic location: 10q22.1.
Variant type: Deletion.
Coding change: c.6933del on transcript NM_022124.6 (MANE Select); coding-DNA position 6933, one base deleted (T; older notation c.6933delT).
Protein change: p.Thr2313fs; shifts the reading frame from threonine 2313.
Molecular consequence: frameshift variant.
Genome position (GRCh38, 1-based): chr10:71,798,457, T deleted. VCF-style (leftmost placement, unchanged base first): chr10-71798456-CT-C. GRCh37 (hg19) VCF-style: chr10-73558213-CT-C.
Other names: c.213del, p.Thr73fs (NM_001171933.1, NM_001171934.1); c.6933delT (NM_022124.5); short protein forms T73fs, T2313fs.
Identifiers: ClinVar variation 1457571 (VCV001457571.7), dbSNP rs2132965694, ClinGen allele CA2573145283.

ClinVar aggregate classification (germline): Pathogenic. Review status: criteria provided, multiple submitters, no conflicts (2 of 4 stars). 2 submissions from 2 submitters: Pathogenic (2). Last evaluated 2025-06-13.

Conditions:
Usher syndrome type 1 (USH1). Also called: RETINITIS PIGMENTOSA AND CONGENITAL DEAFNESS. Identifiers: Orphanet 231169, Orphanet 886, MedGen C1568247, MONDO:0010168, OMIM 276900.

Submissions (2):

Natera, Inc.
Classification: Pathogenic for Usher syndrome type 1. Last evaluated: 2025-06-13. Review status: criteria provided, single submitter. Criteria: Natera Variant Classification Schema (03/2026). Collection method: clinical testing. Allele origin: germline.
Comment: The c.6933delT variant in CDH23 is a frameshift variant predicted to shift the reading frame beginning at codon 2313 and leads to a stop codon 60 codons downstream. This variant is expected to result in nonsense mediated decay, truncation, or a dysfunctional protein product. This variant is rare in the general population with a frequency below the threshold expected for the associated phenotype(s). This variant has been observed in one or more individuals affected with the associated recessive disease, as either homozygous or compound heterozygous with a second variant (PMID: 25425308). Given the available evidence, this variant is classified as Pathogenic.

Labcorp Genetics (formerly Invitae), Labcorp
Classification: Pathogenic. Last evaluated: 2022-06-20. Review status: criteria provided, single submitter. Criteria: Invitae Variant Classification Sherloc (09022015). Collection method: clinical testing. Allele origin: germline.
Comment: For these reasons, this variant has been classified as Pathogenic. This premature translational stop signal has been observed in individual(s) with Usher syndrome (PMID: 11857743). It has also been observed to segregate with disease in related individuals. This variant is not present in population databases (gnomAD no frequency). This sequence change creates a premature translational stop signal (p.Thr2313Profs*60) in the CDH23 gene. It is expected to result in an absent or disrupted protein product. Loss-of-function variants in CDH23 are known to be pathogenic (PMID: 11138009, 21940737).

Literature cited by the submitters: PubMed 25425308 (cited by Natera, Inc.); PubMed 11857743 (cited by Labcorp Genetics (formerly Invitae), Labcorp); PubMed 11138009 (cited by Labcorp Genetics (formerly Invitae), Labcorp); PubMed 21940737 (cited by Labcorp Genetics (formerly Invitae), Labcorp).